The following is an entry in ClinVar:

ClinVar aggregate classification (germline): Pathogenic (1 of 4 stars; one submission).

Submission:

Labcorp Genetics (formerly Invitae), Labcorp
Classification: Pathogenic. Last evaluated: 2021-10-27. Review status: criteria provided, single submitter. Criteria: Invitae Variant Classification Sherloc (09022015). Collection method: clinical testing. Allele origin: germline.
Comment: This sequence change creates a premature translational stop signal (p.Phe1057Tyrfs*51) in the COL7A1 gene. It is expected to result in an absent or disrupted protein product. Loss-of-function variants in COL7A1 are known to be pathogenic (PMID: 16971478). For these reasons, this variant has been classified as Pathogenic. ClinVar contains an entry for this variant (Variation ID: 940193). This variant has not been reported in the literature in individuals affected with COL7A1-related conditions. This variant is not present in population databases (gnomAD no frequency).

Literature cited by the submitters: PubMed 16971478.

NM_000094.4(COL7A1):c.3170_3173del (p.Phe1057fs)

Gene: COL7A1 (collagen type VII alpha 1 chain; minus strand). Cytogenetic location: 3p21.31.
Variant type: Deletion.
Coding change: c.3170_3173del on transcript NM_000094.4 (MANE Select); coding-DNA positions 3170 to 3173, 4 bases deleted (TCCT; older notation c.3170_3173delTCCT).
Protein change: p.Phe1057fs; shifts the reading frame from phenylalanine 1057.
Molecular consequence: frameshift variant.
Genome position (GRCh38, 1-based): chr3:48,587,075-48,587,078, AGGA deleted on the plus strand (TCCT on the coding strand, the reverse complement: COL7A1 is on the minus strand); deleting any 4 consecutive bases within chr3:48,587,075-48,587,079 gives the same sequence; the c. name uses the placement nearest the transcript's 3' end. VCF-style (leftmost placement, unchanged base first): chr3-48587074-TAGGA-T. GRCh37 (hg19) VCF-style: chr3-48624507-TAGGA-T.
Other names: short protein forms F1057fs.
Identifiers: ClinVar variation 940193 (VCV000940193.6), dbSNP rs1435934984, ClinGen allele CA907760633.